The following is an entry in ClinVar:

ClinVar aggregate classification (germline): Uncertain significance. Review status: criteria provided, multiple submitters, no conflicts (2 of 4 stars). 2 submissions from 2 submitters: Uncertain significance (2). Last evaluated 2022-02-11.

Conditions:
Spastic paraplegia. Identifiers: MedGen C0037772, HP:0001258.

Allele frequency attached by ClinVar (database versions not stated): gnomAD 0.00001 and 0.00002; gnomAD exomes 0.00002 and 0.00009; TOPMed 0.00004; ExAC 0.00005.
gnomAD v4.1: 44 of 1,614,010 alleles (0.0027%); highest among the groups gnomAD compares: Middle Eastern, 0.049%; no homozygotes.

Submissions (2):

Labcorp Genetics (formerly Invitae), Labcorp
Classification: Uncertain significance for Spastic paraplegia. Last evaluated: 2022-02-11. Review status: criteria provided, single submitter. Criteria: Invitae Variant Classification Sherloc (09022015). Collection method: clinical testing. Allele origin: germline.
Comment: This sequence change replaces arginine, which is basic and polar, with histidine, which is basic and polar, at codon 300 of the B4GALNT1 protein (p.Arg300His). This variant is present in population databases (rs771628032, gnomAD 0.03%). This variant has not been reported in the literature in individuals affected with B4GALNT1-related conditions. ClinVar contains an entry for this variant (Variation ID: 1163940). Algorithms developed to predict the effect of missense changes on protein structure and function (SIFT, PolyPhen-2, Align-GVGD) all suggest that this variant is likely to be disruptive. This variant disrupts the p.Arg300 amino acid residue in B4GALNT1. Other variant(s) that disrupt this residue have been determined to be pathogenic (PMID: 23746551, 30521973). This suggests that this residue is clinically significant, and that variants that disrupt this residue are likely to be disease-causing. In summary, the available evidence is currently insufficient to determine the role of this variant in disease. Therefore, it has been classified as a Variant of Uncertain Significance.

Mayo Clinic Laboratories, Mayo Clinic
Classification: Uncertain significance. Last evaluated: 2020-04-06. Review status: criteria provided, single submitter. Criteria: ACMG Guidelines, 2015. Collection method: clinical testing. Allele origin: germline. Observed: 1 variant allele.

Literature cited by the submitters: PubMed 23746551 (cited by Labcorp Genetics (formerly Invitae), Labcorp); PubMed 30521973 (cited by Labcorp Genetics (formerly Invitae), Labcorp).

NM_001478.5(B4GALNT1):c.899G>A (p.Arg300His)

Gene: B4GALNT1 (beta-1,4-N-acetyl-galactosaminyltransferase 1; minus strand). Cytogenetic location: 12q13.3.
Variant type: single nucleotide variant.
Coding change: c.899G>A on transcript NM_001478.5 (MANE Select); coding-DNA position 899, G replaced by A.
Protein change: p.Arg300His; replaces arginine 300 with histidine.
Molecular consequence: missense variant.
Genome position (GRCh38, 1-based): chr12:57,628,816, C>T on the plus strand (G>A on the coding strand, the complement: B4GALNT1 is on the minus strand). VCF-style: chr12-57628816-C-T. GRCh37 (hg19) VCF-style: chr12-58022599-C-T.
Other names: c.734G>A, p.Arg245His (NM_001276468.2); short protein forms R245H, R300H.
Identifiers: ClinVar variation 1163940 (VCV001163940.6), dbSNP rs771628032, ClinGen allele CA6655604.
Genomic context (GRCh38, chr12:57,628,816, plus strand): 5'-ACGCGCTCTGGCTTGTCGCTGTCGTCAGCGATGACCACGGTAACCGTTGGGTAGAAGCGG[C>T]GGATACTGGTGATGAGAGCCCGTAGCCGATCATAACGGAGGAAGGTCTTGGTGGCAATCG-3'
Protein context (NP_001469.1, residues 290-310): DRLRALITSI[Arg300His]RFYPTVTVVI